The following is an entry in ClinVar:

NM_002473.6(MYH9):c.115A>G (p.Ser39Gly)

Gene: MYH9 (myosin heavy chain 9; minus strand). Cytogenetic location: 22q12.3.
Variant type: single nucleotide variant.
Coding change: c.115A>G on transcript NM_002473.6 (MANE Select); coding-DNA position 115, A replaced by G.
Protein change: p.Ser39Gly; replaces serine 39 with glycine.
Molecular consequence: missense variant.
Genome position (GRCh38, 1-based): chr22:36,349,122, T>C on the plus strand (A>G on the coding strand, the complement: MYH9 is on the minus strand). VCF-style: chr22-36349122-T-C. GRCh37 (hg19) VCF-style: chr22-36745167-T-C.
Other names: short protein forms S39G.
Identifiers: ClinVar variation 902998 (VCV000902998.7), dbSNP rs2017727253, ClinGen allele CA411549510.
Genomic context (GRCh38, chr22:36,349,122, plus strand): 5'-CCAGCTCCACGATGGCCTCTTCGCCCACCTCCTCCTTGAGGCTGGCTGGCTCAAAGCCAC[T>C]CTTGTCGGAAGGCACCCATACCAGCTTCTTGGCAGCCCAGTCGGCCTGGGCCAGCGGATT-3'
Protein context (NP_002464.1, residues 29-49): KKLVWVPSDK[Ser39Gly]GFEPASLKEE

ClinVar aggregate classification (germline): Uncertain significance. Review status: criteria provided, multiple submitters, no conflicts (2 of 4 stars). 3 submissions from 2 submitters: Uncertain significance (3). Last evaluated 2023-07-17.

Conditions:
Autosomal dominant nonsyndromic hearing loss 17. Also called: Deafness, autosomal dominant 17; Autosomal dominant nonsyndromic deafness 17. Identifiers: Orphanet 90635, MedGen C1863659, MONDO:0011350, OMIM 603622.
MYH9-related disorder. Identifiers: MedGen C1854520.

Allele frequency attached by ClinVar (database versions not stated): gnomAD exomes below 0.00001.
gnomAD v4.1: 1 of 1,614,168 alleles (0.000062%); highest among the groups gnomAD compares: East Asian, 0.0022%; no homozygotes.

Submissions (3):

Labcorp Genetics (formerly Invitae), Labcorp
Classification: Uncertain significance. Last evaluated: 2023-07-17. Review status: criteria provided, single submitter. Criteria: Invitae Variant Classification Sherloc (09022015). Collection method: clinical testing. Allele origin: germline.
Comment: Advanced modeling of protein sequence and biophysical properties (such as structural, functional, and spatial information, amino acid conservation, physicochemical variation, residue mobility, and thermodynamic stability) performed at Invitae indicates that this missense variant is not expected to disrupt MYH9 protein function. In summary, the available evidence is currently insufficient to determine the role of this variant in disease. Therefore, it has been classified as a Variant of Uncertain Significance. ClinVar contains an entry for this variant (Variation ID: 902998). This variant has not been reported in the literature in individuals affected with MYH9-related conditions. This variant is not present in population databases (gnomAD no frequency). This sequence change replaces serine, which is neutral and polar, with glycine, which is neutral and non-polar, at codon 39 of the MYH9 protein (p.Ser39Gly).

Illumina Laboratory Services, Illumina
Classification: Uncertain significance for MYH9-related disorder. Last evaluated: 2018-01-12. Review status: criteria provided, single submitter. Criteria: ICSL Variant Classification Criteria 13 December 2019. Collection method: clinical testing. Allele origin: germline.

Illumina Laboratory Services, Illumina
Classification: Uncertain significance for Autosomal dominant nonsyndromic hearing loss 17. Last evaluated: 2018-01-12. Review status: criteria provided, single submitter. Criteria: ICSL Variant Classification Criteria 13 December 2019. Collection method: clinical testing. Allele origin: germline.